The following is an entry in ClinVar:

ClinVar aggregate classification (germline): Uncertain significance (1 of 4 stars; one submission).

Allele frequency attached by ClinVar (database versions not stated): gnomAD exomes below 0.00001.
gnomAD v4.1: 2 of 1,492,688 alleles (0.00013%); highest among the groups gnomAD compares: Admixed American, 0.0024%; no homozygotes.

Submission:

Labcorp Genetics (formerly Invitae), Labcorp
Classification: Uncertain significance. Last evaluated: 2023-10-04. Review status: criteria provided, single submitter. Criteria: Invitae Variant Classification Sherloc (09022015). Collection method: clinical testing. Allele origin: germline.
Comment: This sequence change replaces lysine, which is basic and polar, with arginine, which is basic and polar, at codon 10 of the EIF2AK1 protein (p.Lys10Arg). This variant is not present in population databases (gnomAD no frequency). This variant has not been reported in the literature in individuals affected with EIF2AK1-related conditions. An algorithm developed to predict the effect of missense changes on protein structure and function (PolyPhen-2) suggests that this variant is likely to be tolerated. In summary, the available evidence is currently insufficient to determine the role of this variant in disease. Therefore, it has been classified as a Variant of Uncertain Significance.

NM_014413.4(EIF2AK1):c.29A>G (p.Lys10Arg)

Genes: EIF2AK1 (eukaryotic translation initiation factor 2 alpha kinase 1; minus strand), LOC129997920 (ATAC-STARR-seq lymphoblastoid silent region 17933; plus strand). Cytogenetic location: 7p22.1.
Variant type: single nucleotide variant.
Coding change: c.29A>G on transcript NM_014413.4 (MANE Select); coding-DNA position 29, A replaced by G.
Protein change: p.Lys10Arg; replaces lysine 10 with arginine.
Molecular consequence: missense variant.
Genome position (GRCh38, 1-based): chr7:6,059,055, T>C on the plus strand (A>G on the coding strand, the complement: EIF2AK1 is on the minus strand). VCF-style: chr7-6059055-T-C. GRCh37 (hg19) VCF-style: chr7-6098686-T-C.
Other names: c.29A>G, p.Lys10Arg (NM_001134335.2); short protein forms K10R.
Identifiers: ClinVar variation 2745862 (VCV002745862.3), dbSNP rs548248191, ClinGen allele CA366759458.